The following is an entry in ClinVar:

NM_000517.6(HBA2):c.271A>G (p.Lys91Glu)

Genes: HBA2 (hemoglobin subunit alpha 2; plus strand), LOC106804612 (hemoglobin subunit alpha 2 recombination region; plus strand). Cytogenetic location: 16p13.3.
Variant type: single nucleotide variant.
Coding change: c.271A>G on transcript NM_000517.6 (MANE Select); coding-DNA position 271, A replaced by G.
Protein change: p.Lys91Glu; replaces lysine 91 with glutamic acid.
Molecular consequence: missense variant.
Genome position (GRCh38, 1-based): chr16:173,300, A>G. VCF-style: chr16-173300-A-G. GRCh37 (hg19) VCF-style: chr16-223299-A-G.
Other names: short protein forms K91E.
Identifiers: ClinVar variation 810997 (VCV000810997.9), dbSNP rs63750093, ClinGen allele CA276415023.

ClinVar aggregate classification (germline): Likely benign (1 of 4 stars; one submission).

Submission:

ARUP Laboratories, Molecular Genetics and Genomics, ARUP Laboratories
Classification: Likely benign. Last evaluated: 2023-12-13. Review status: criteria provided, single submitter. Criteria: ARUP Molecular Germline Variant Investigation Process 2024. Collection method: clinical testing. Allele origin: germline.
Comment: The Hb Sudbury variant (HBA2: c.271A>G; p.Lys91Glu, also known as Lys90Glu when numbered from the mature protein, rs63750093, HbVar ID: 2637) has been described as a stable hemoglobin variant (see HbVar link). This variant is absent from the Genome Aggregation Database. The lysine at codon 91 is moderately conserved, and computational analyses are uncertain whether this variant is neutral or deleterious (REVEL: 0.616). Other amino acid substitutions at this codon (Gln, Arg, Met, Asn) have been reported as stable hemoglobin variants (see HbVar). Based on available information, this variant is considered to be likely benign. References: Link to HbVar